The following is an entry in ClinVar:

NM_003597.5(KLF11):c.-95GCC[7]

Genes: KLF11 (KLF transcription factor 11; plus strand), LOC128897170 (KLF11 promoter region; plus strand). Cytogenetic location: 2p25.1.
Variant type: Microsatellite.
Coding change: c.-95GCC[7] on transcript NM_003597.5 (MANE Select); seven copies in a row of the 3-base unit GCC starting at c.-95; the reference has six copies in a row; one copy, 3 bases duplicated.
Molecular consequence: 5 prime UTR variant.
Genome position (GRCh38, 1-based): chr2:10,043,637-10,043,639, GCC duplicated; duplicating any 3 consecutive bases within chr2:10,043,622-10,043,639 gives the same sequence; the position shown is the placement nearest the transcript's 3' end. VCF-style (leftmost placement, unchanged base first): chr2-10043621-T-TGCC. GRCh37 (hg19) VCF-style: chr2-10183748-T-TGCC.
Identifiers: ClinVar variation 330619 (VCV000330619.33), dbSNP rs372827624, ClinGen allele CA10610503.
Genomic context (GRCh38, chr2:10,043,621, plus strand): 5'-CGCGCCGGGGCAGAGCCGCGCGGGCGGGCGAGGCGCGTGCCGGCCGCAGGAGCTCCGGGT[T>TGCC]GCCGCCGCCGCCGCCGCCCGCAGCCCACGTGCGGCCGCTGCTGCGCCCGAGCTCACGCCC-3'

ClinVar aggregate classification (germline): Benign/Likely benign. Review status: criteria provided, multiple submitters, no conflicts (2 of 4 stars). 2 submissions from 2 submitters: Benign (1); Likely benign (1). Last evaluated 2023-06-01.

Submissions (2):

CeGaT Center for Human Genetics Tuebingen
Classification: Benign. Last evaluated: 2023-06-01. Review status: criteria provided, single submitter. Criteria: CeGaT Center For Human Genetics Tuebingen Variant Classification Criteria Version 2. Collection method: clinical testing. Allele origin: germline. Affected: yes. Observed: 1 variant allele.
Comment: KLF11: BS1, BS2

GeneDx
Classification: Likely benign. Last evaluated: 2020-01-11. Review status: criteria provided, single submitter. Criteria: GeneDx Variant Classification Process June 2021. Collection method: clinical testing. Allele origin: germline. Affected: yes.